The following is an entry in ClinVar:

NM_005654.6(NR2F1):c.1065C>G (p.Tyr355Ter)

Gene: NR2F1 (nuclear receptor subfamily 2 group F member 1; plus strand). Cytogenetic location: 5q15.
Variant type: single nucleotide variant.
Coding change: c.1065C>G on transcript NM_005654.6 (MANE Select); coding-DNA position 1065, C replaced by G.
Protein change: p.Tyr355Ter; replaces tyrosine 355 with a stop codon.
Molecular consequence: nonsense.
Genome position (GRCh38, 1-based): chr5:93,593,635, C>G. VCF-style: chr5-93593635-C-G. GRCh37 (hg19) VCF-style: chr5-92929341-C-G.
Other names: c.1065C>G (NM_005654.4); short protein forms Y355*.
Identifiers: ClinVar variation 624056 (VCV000624056.48), dbSNP rs763566932, ClinGen allele CA360527719.

ClinVar aggregate classification (germline): Conflicting classifications of pathogenicity. Review status: criteria provided, conflicting classifications (1 of 4 stars). 4 submissions from 4 submitters: Pathogenic (1); Likely pathogenic (2); Uncertain significance (1). Last evaluated 2025-01-01.

Conditions:
Bosch-Boonstra-Schaaf optic atrophy syndrome (BBSOAS). Also called: NR2F1-Related Neurodevelopmental Disorder. Identifiers: Orphanet 401777, MedGen C3810363, MONDO:0014320, OMIM 615722.

Submissions (4):

Center of Human Genetics, Hôpital Erasme
Classification: Likely pathogenic for Bosch-Boonstra-Schaaf optic atrophy syndrome. Last evaluated: 2025-01-01. Review status: criteria provided, single submitter. Criteria: ACMG Guidelines, 2015. Collection method: clinical testing. Allele origin: de novo. Affected: yes.

GeneDx
Classification: Pathogenic. Last evaluated: 2024-07-02. Review status: criteria provided, single submitter. Criteria: GeneDx Variant Classification Process June 2021. Collection method: clinical testing. Allele origin: germline. Affected: yes.
Comment: Nonsense variant predicted to result in protein truncation, as the last 69 amino acids are lost, and other loss-of-function variants have been reported downstream in HGMD; Within the LBD Domain; Not observed at significant frequency in large population cohorts (gnomAD); This variant is associated with the following publications: (PMID: 36775012)

CeGaT Center for Human Genetics Tuebingen
Classification: Uncertain significance. Last evaluated: 2018-11-01. Review status: criteria provided, single submitter. Criteria: CeGaT Center For Human Genetics Tuebingen Variant Classification Criteria Version 2. Collection method: clinical testing. Allele origin: germline. Affected: yes. Observed: 1 variant allele.

Centre for Mendelian Genomics, University Medical Centre Ljubljana
Classification: Likely pathogenic for Bosch-Boonstra-Schaaf optic atrophy syndrome. Last evaluated: 2016-01-01. Review status: criteria provided, single submitter. Criteria: ACMG Guidelines, 2015. Collection method: clinical testing. Allele origin: unknown. Affected: yes.
Comment: This variant was classified as: Likely pathogenic. The following ACMG criteria were applied in classifying this variant: PM2,PVS1.